The following is an entry in ClinVar:

ClinVar aggregate classification (germline): Likely pathogenic (1 of 4 stars; one submission).

Conditions:
Dilated cardiomyopathy 1G (CMD1G). Identifiers: Orphanet 154, MedGen C1858763, MONDO:0011400, OMIM 604145.
Autosomal recessive limb-girdle muscular dystrophy type 2J (LGMDR10). Also called: Limb-girdle muscular dystrophy, type 2J; MUSCULAR DYSTROPHY, LIMB-GIRDLE, AUTOSOMAL RECESSIVE 10. Identifiers: Orphanet 140922, MedGen C1837342, MONDO:0012127, OMIM 608807.

Submission:

Labcorp Genetics (formerly Invitae), Labcorp
Classification: Likely pathogenic for Dilated cardiomyopathy 1G; Autosomal recessive limb-girdle muscular dystrophy type 2J. Last evaluated: 2025-12-29. Review status: criteria provided, single submitter. Criteria: Invitae Variant Classification Sherloc (09022015). Collection method: clinical testing. Allele origin: germline.
Comment: This sequence change affects an acceptor splice site in intron 18 of the TTN gene. It is expected to disrupt RNA splicing and likely results in a truncated or disrupted TTN protein. This variant is not present in population databases (gnomAD no frequency). This variant has not been reported in the literature in individuals affected with TTN-related conditions. ClinVar contains an entry for this variant (Variation ID: 404837). Algorithms developed to predict the effect of sequence changes on RNA splicing suggest that this variant may disrupt the consensus splice site. This variant is located in the Z band of TTN (PMID: 25589632). Truncating variants in this region have been reported in individuals affected with autosomal recessive centronuclear myopathy (PMID: 33449170, internal data). Truncating variants in this region have also been identified in individuals affected with autosomal dominant dilated cardiomyopathy and/or cardio-related conditions (PMID: 27869827, 32964742, internal data). In summary, the currently available evidence indicates that the variant is pathogenic, but additional data are needed to prove that conclusively. Therefore, this variant has been classified as Likely Pathogenic.

Literature cited by the submitters: PubMed 25589632; PubMed 33449170; PubMed 27869827; PubMed 32964742.

NM_001267550.2(TTN):c.3101-2A>T

Gene: TTN (titin; minus strand). Cytogenetic location: 2q31.2.
Variant type: single nucleotide variant.
Coding change: c.3101-2A>T on transcript NM_001267550.2 (MANE Select); the canonical splice acceptor site of the intron before coding-DNA position 3101, A replaced by T.
Molecular consequence: splice acceptor variant.
Genome position (GRCh38, 1-based): chr2:178,782,604, T>A on the plus strand (A>T on the coding strand, the complement: TTN is on the minus strand). VCF-style: chr2-178782604-T-A. GRCh37 (hg19) VCF-style: chr2-179647331-T-A.
Other names: c.2963-2A>T (NM_003319.4, NM_133437.4, NM_133432.3); c.3101-2A>T (NM_133378.4, NM_001256850.1, NM_133379.5).
Identifiers: ClinVar variation 404837 (VCV000404837.9), dbSNP rs1060500467, ClinGen allele CA16610518.